The following is an entry in ClinVar:

NM_004304.5(ALK):c.1446T>G (p.Phe482Leu)

Gene: ALK (ALK receptor tyrosine kinase; minus strand). Cytogenetic location: 2p23.2.
Variant type: single nucleotide variant.
Coding change: c.1446T>G on transcript NM_004304.5 (MANE Select); coding-DNA position 1446, T replaced by G.
Protein change: p.Phe482Leu; replaces phenylalanine 482 with leucine.
Molecular consequence: missense variant.
Genome position (GRCh38, 1-based): chr2:29,320,851, A>C on the plus strand (T>G on the coding strand, the complement: ALK is on the minus strand). VCF-style: chr2-29320851-A-C. GRCh37 (hg19) VCF-style: chr2-29543717-A-C.
Other names: short protein forms F482L.
Identifiers: ClinVar variation 1046422 (VCV001046422.8), dbSNP rs1174777663, ClinGen allele CA346472613.
Genomic context (GRCh38, chr2:29,320,851, plus strand): 5'-CTGCCATTGAGGAGTGTGGGGTGACAGTGTGCCTTGGGTCCAGCCACAGAAGCCATCTTC[A>C]AAGTTGCAGTAAAAACCCACAGGCAGTTTCCCTATGGAGAGAGCAGAGAGGCACCATCAT-3'
Protein context (NP_004295.2, residues 472-492): RKLPVGFYCN[Phe482Leu]EDGFCGWTQG

ClinVar aggregate classification (germline): Uncertain significance (1 of 4 stars; one submission).

Conditions:
Neuroblastoma, susceptibility to, 3. Also called: ALK-Related Neuroblastic Tumor Susceptibility. Identifiers: Orphanet 635, MedGen C2751681, MONDO:0013083, OMIM 613014.

Allele frequency attached by ClinVar (database versions not stated): gnomAD exomes below 0.00001.
gnomAD v4.1: 1 of 1,614,206 alleles (0.000062%); highest among the groups gnomAD compares: Admixed American, 0.0017%; no homozygotes.

Submission:

Labcorp Genetics (formerly Invitae), Labcorp
Classification: Uncertain significance for Neuroblastoma, susceptibility to, 3. Last evaluated: 2020-10-01. Review status: criteria provided, single submitter. Criteria: Invitae Variant Classification Sherloc (09022015). Collection method: clinical testing. Allele origin: germline.
Comment: In summary, the available evidence is currently insufficient to determine the role of this variant in disease. Therefore, it has been classified as a Variant of Uncertain Significance. Algorithms developed to predict the effect of missense changes on protein structure and function are either unavailable or do not agree on the potential impact of this missense change (SIFT: "Deleterious"; PolyPhen-2: "Probably Damaging"; Align-GVGD: "Class C15"). This variant has not been reported in the literature in individuals with ALK-related conditions. This variant is not present in population databases (ExAC no frequency). This sequence change replaces phenylalanine with leucine at codon 482 of the ALK protein (p.Phe482Leu). The phenylalanine residue is highly conserved and there is a small physicochemical difference between phenylalanine and leucine.